The following is an entry in ClinVar:

ClinVar aggregate classification (germline): Likely benign. Review status: criteria provided, multiple submitters, no conflicts (2 of 4 stars). 3 submissions from 3 submitters: Likely benign (3). Last evaluated 2024-04-03.

Conditions:
Cardiomyopathy (CMYO). Also called: Cardiomyopathies. Identifiers: Orphanet 167848, MedGen C0878544, MONDO:0004994, HP:0001638. Inheritance: Various modes of inheritance.
Hypertrophic cardiomyopathy. Also called: HYPERTROPHIC MYOCARDIOPATHY. Identifiers: Orphanet 217569, MedGen C0007194, MeSH D002312, MONDO:0005045, HP:0001639.

Allele frequency attached by ClinVar (database versions not stated): gnomAD exomes 0.00001.
gnomAD v4.1: 3 of 1,614,012 alleles (0.00019%); highest among the groups gnomAD compares: Non-Finnish European, 0.00025%; no homozygotes.

Submissions (3):

Labcorp Genetics (formerly Invitae), Labcorp
Classification: Likely benign for Hypertrophic cardiomyopathy. Last evaluated: 2024-04-03. Review status: criteria provided, single submitter. Criteria: Invitae Variant Classification Sherloc (09022015). Collection method: clinical testing. Allele origin: germline.

All of Us Research Program, National Institutes of Health
Classification: Likely benign for Hypertrophic cardiomyopathy. Last evaluated: 2023-12-18. Review status: criteria provided, single submitter. Criteria: ACMG Guidelines, 2015. Collection method: clinical testing. Allele origin: germline. Inheritance: Autosomal dominant inheritance. Observed: 1 variant allele, 1 heterozygote.
Comment: This study involves interpretation of variants in research participants for the purpose of population health screening. Participant phenotype was not available at the time of variant classification. Additional details can be found in publication PMID: 35346344, PMCID: PMC8962531

Color Diagnostics, LLC DBA Color Health
Classification: Likely benign for Cardiomyopathy. Last evaluated: 2022-11-06. Review status: criteria provided, single submitter. Criteria: ACMG Guidelines, 2015. Collection method: clinical testing. Allele origin: germline.

NM_000256.3(MYBPC3):c.1485G>A (p.Arg495=)

Gene: MYBPC3 (myosin binding protein C3; minus strand). Cytogenetic location: 11p11.2.
Variant type: single nucleotide variant.
Coding change: c.1485G>A on transcript NM_000256.3 (MANE Select); coding-DNA position 1485, G replaced by A.
Protein change: p.Arg495=; no amino-acid change (arginine 495 retained).
Molecular consequence: synonymous variant.
Genome position (GRCh38, 1-based): chr11:47,342,717, C>T on the plus strand (G>A on the coding strand, the complement: MYBPC3 is on the minus strand). VCF-style: chr11-47342717-C-T. GRCh37 (hg19) VCF-style: chr11-47364268-C-T.
Identifiers: ClinVar variation 3075120 (VCV003075120.4), dbSNP rs2495762926, ClinGen allele CA474219984.